The following is an entry in ClinVar:

ClinVar aggregate classification (germline): Uncertain significance (1 of 4 stars; one submission).

Submission:

Labcorp Genetics (formerly Invitae), Labcorp
Classification: Uncertain significance. Last evaluated: 2021-11-20. Review status: criteria provided, single submitter. Criteria: Invitae Variant Classification Sherloc (09022015). Collection method: clinical testing. Allele origin: germline.
Comment: In summary, the available evidence is currently insufficient to determine the role of this variant in disease. Therefore, it has been classified as a Variant of Uncertain Significance. Algorithms developed to predict the effect of missense changes on protein structure and function are either unavailable or do not agree on the potential impact of this missense change (SIFT: "Deleterious"; PolyPhen-2: "Probably Damaging"; Align-GVGD: "Class C0"). This variant has not been reported in the literature in individuals affected with ARID1B-related conditions. This variant is not present in population databases (gnomAD no frequency). This sequence change replaces methionine, which is neutral and non-polar, with isoleucine, which is neutral and non-polar, at codon 931 of the ARID1B protein (p.Met931Ile).

NM_001374828.1(ARID1B):c.3003G>C (p.Met1001Ile)

Gene: ARID1B (AT-rich interaction domain 1B; plus strand). Cytogenetic location: 6q25.3.
Variant type: single nucleotide variant.
Coding change: c.3003G>C on transcript NM_001374828.1 (MANE Select); coding-DNA position 3003, G replaced by C.
Protein change: p.Met1001Ile; replaces methionine 1001 with isoleucine.
Molecular consequence: missense variant.
Genome position (GRCh38, 1-based): chr6:157,148,865, G>C. VCF-style: chr6-157148865-G-C. GRCh37 (hg19) VCF-style: chr6-157469999-G-C.
Other names: c.504G>C, p.Met168Ile (NM_001363725.2); c.3042G>C, p.Met1014Ile (NM_001371656.1, NM_001374820.1); c.3003G>C, p.Met1001Ile (NM_017519.3); short protein forms M168I, M1014I, M1001I.
Identifiers: ClinVar variation 1434158 (VCV001434158.6), dbSNP rs1396513955, ClinGen allele CA366389127.